The following is an entry in ClinVar:

NM_004415.4(DSP):c.7091del (p.Gly2364fs)

Gene: DSP (desmoplakin; plus strand). Cytogenetic location: 6p24.3.
Variant type: Deletion.
Coding change: c.7091del on transcript NM_004415.4 (MANE Select); coding-DNA position 7091, one base deleted (G; older notation c.7091delG).
Protein change: p.Gly2364fs; shifts the reading frame from glycine 2364.
Molecular consequence: frameshift variant.
Genome position (GRCh38, 1-based): chr6:7,584,353, G deleted; the last of 2 consecutive G bases (chr6:7,584,352-7,584,353); deleting either gives the same sequence. VCF-style (leftmost placement, unchanged base first): chr6-7584351-CG-C. GRCh37 (hg19) VCF-style: chr6-7584584-CG-C.
Other names: c.5294del, p.Gly1765fs (NM_001008844.3); c.5762del, p.Gly1921fs (NM_001319034.2); short protein forms G1765fs, G1921fs, G2364fs.
Identifiers: ClinVar variation 5041758 (VCV005041758.1).

ClinVar aggregate classification (germline): Likely pathogenic (1 of 4 stars; one submission).

Submission:

CeGaT Center for Human Genetics Tuebingen
Classification: Likely pathogenic. Last evaluated: 2026-09-01. Review status: criteria provided, single submitter. Criteria: CeGaT Center For Human Genetics Tuebingen Variant Classification Criteria Version 2. Collection method: clinical testing. Allele origin: germline. Affected: yes. Observed: 1 variant allele.
Comment: DSP: PVS1:Strong, PM2